The following is an entry in ClinVar:

NM_001267550.2(TTN):c.105253C>A (p.Gln35085Lys)

Genes: TTN (titin; minus strand), TTN-AS1 (TTN antisense RNA 1; plus strand). Cytogenetic location: 2q31.2.
Variant type: single nucleotide variant.
Coding change: c.105253C>A on transcript NM_001267550.2 (MANE Select); coding-DNA position 105253, C replaced by A.
Protein change: p.Gln35085Lys; replaces glutamine 35085 with lysine.
Molecular consequence: missense variant.
Genome position (GRCh38, 1-based): chr2:178,531,362, G>T on the plus strand (C>A on the coding strand, the complement: TTN is on the minus strand). VCF-style: chr2-178531362-G-T. GRCh37 (hg19) VCF-style: chr2-179396089-G-T.
Other names: c.100330C>A, p.Gln33444Lys (NM_001256850.1); c.78058C>A, p.Gln26020Lys (NM_003319.4); c.97549C>A, p.Gln32517Lys (NM_133378.4); c.78433C>A, p.Gln26145Lys (NM_133432.3); c.78634C>A, p.Gln26212Lys (NM_133437.4); short protein forms Q26020K, Q26145K, Q26212K, Q32517K, Q33444K, Q35085K.
Identifiers: ClinVar variation 4847106 (VCV004847106.1).

ClinVar aggregate classification (germline): Uncertain significance (1 of 4 stars; one submission).

Submission:

Women's Health and Genetics/Laboratory Corporation of America, LabCorp
Classification: Uncertain significance. Last evaluated: 2026-03-18. Review status: criteria provided, single submitter. Criteria: LabCorp Variant Classification Summary - May 2015. Collection method: clinical testing. Allele origin: germline.
Comment: Variant summary: TTN c.97549C>A (p.Gln32517Lys) results in a conservative amino acid change in the encoded protein sequence. Algorithms developed to predict the effect of missense changes on protein structure and function all suggest that this variant is likely to be tolerated. The variant was absent in 248916 control chromosomes. The available data on variant occurrences in the general population are insufficient to allow any conclusion about variant significance. To our knowledge, no occurrence of c.97549C>A in individuals affected with TTN-related conditions and no experimental evidence demonstrating its impact on protein function have been reported. No submitters have cited clinical-significance assessments for this variant to ClinVar. Based on the evidence outlined above, the variant was classified as uncertain significance.